The following is an entry in ClinVar:

ClinVar aggregate classification (germline): Uncertain significance (1 of 4 stars; one submission).

Conditions:
Inborn genetic diseases. Identifiers: MedGen C0950123, MeSH D030342.

Submission:

Ambry Genetics
Classification: Uncertain significance for Inborn genetic diseases. Last evaluated: 2025-12-15. Review status: criteria provided, single submitter. Criteria: Ambry Variant Classification Scheme 2023. Collection method: clinical testing. Allele origin: germline.
Comment: The p.P937S variant (also known as c.2809C>T), located in coding exon 13 of the ASXL1 gene, results from a C to T substitution at nucleotide position 2809. The proline at codon 937 is replaced by serine, an amino acid with similar properties. This amino acid position is conserved. In addition, this alteration is predicted to be tolerated by in silico analysis. Based on the available evidence, the clinical significance of this variant remains unclear.

NM_015338.6(ASXL1):c.2809C>T (p.Pro937Ser)

Gene: ASXL1 (ASXL transcriptional regulator 1; plus strand). Cytogenetic location: 20q11.21.
Variant type: single nucleotide variant.
Coding change: c.2809C>T on transcript NM_015338.6 (MANE Select); coding-DNA position 2809, C replaced by T.
Protein change: p.Pro937Ser; replaces proline 937 with serine.
Molecular consequence: missense variant.
Genome position (GRCh38, 1-based): chr20:32,435,521, C>T. VCF-style: chr20-32435521-C-T. GRCh37 (hg19) VCF-style: chr20-31023324-C-T.
Other names: c.2626C>T, p.Pro876Ser (NM_001363734.1); short protein forms P937S, P876S.
Identifiers: ClinVar variation 4843630 (VCV004843630.1).
Genomic context (GRCh38, chr20:32,435,521, plus strand): 5'-GAACACATACCATCTGTTGAGCCCCAGGTTGGAGAGGAGTGGGAGAAAGCTGCTCCCACC[C>T]CTCCTGCATTGCCTGGGGATTTGACAGCTGAGGAGGGTCTAGATCCTCTTGACAGCCTTA-3'
Protein context (NP_056153.2, residues 927-947): GEEWEKAAPT[Pro937Ser]PALPGDLTAE